The following is an entry in ClinVar:

ClinVar aggregate classification (germline): Uncertain significance (1 of 4 stars; one submission).

Conditions:
Alagille syndrome due to a JAG1 point mutation. Also called: Alagille Syndrome 1; HEPATIC DUCTULAR HYPOPLASIA, SYNDROMATIC; JAG1-Related Alagille Syndrome. Identifiers: Orphanet 261619, Orphanet 52, MedGen C1956125, MONDO:0016862, OMIM 118450.

Submission:

Labcorp Genetics (formerly Invitae), Labcorp
Classification: Uncertain significance for Alagille syndrome due to a JAG1 point mutation. Last evaluated: 2024-03-07. Review status: criteria provided, single submitter. Criteria: Invitae Variant Classification Sherloc (09022015). Collection method: clinical testing. Allele origin: germline.
Comment: This sequence change replaces valine, which is neutral and non-polar, with glutamic acid, which is acidic and polar, at codon 580 of the JAG1 protein (p.Val580Glu). This variant is not present in population databases (gnomAD no frequency). This variant has not been reported in the literature in individuals affected with JAG1-related conditions. Advanced modeling of protein sequence and biophysical properties (such as structural, functional, and spatial information, amino acid conservation, physicochemical variation, residue mobility, and thermodynamic stability) has been performed at Invitae for this missense variant, however the output from this modeling did not meet the statistical confidence thresholds required to predict the impact of this variant on JAG1 protein function. In summary, the available evidence is currently insufficient to determine the role of this variant in disease. Therefore, it has been classified as a Variant of Uncertain Significance.

NM_000214.3(JAG1):c.1739T>A (p.Val580Glu)

Gene: JAG1 (jagged canonical Notch ligand 1; minus strand). Cytogenetic location: 20p12.2.
Variant type: single nucleotide variant.
Coding change: c.1739T>A on transcript NM_000214.3 (MANE Select); coding-DNA position 1739, T replaced by A.
Protein change: p.Val580Glu; replaces valine 580 with glutamic acid.
Molecular consequence: missense variant.
Genome position (GRCh38, 1-based): chr20:10,647,085, A>T on the plus strand (T>A on the coding strand, the complement: JAG1 is on the minus strand). VCF-style: chr20-10647085-A-T. GRCh37 (hg19) VCF-style: chr20-10627733-A-T.
Other names: short protein forms V580E.
Identifiers: ClinVar variation 2735953 (VCV002735953.3), dbSNP rs2514515723, ClinGen allele CA408236640.